The following is an entry in ClinVar:

NM_001267550.2(TTN):c.29325C>T (p.Asn9775=)

Gene: TTN (titin; minus strand). Cytogenetic location: 2q31.2.
Variant type: single nucleotide variant.
Coding change: c.29325C>T on transcript NM_001267550.2 (MANE Select); coding-DNA position 29325, C replaced by T.
Protein change: p.Asn9775=; no amino-acid change (asparagine 9775 retained).
Molecular consequence: synonymous variant. On other transcripts: intron variant (3).
Genome position (GRCh38, 1-based): chr2:178,706,549, G>A on the plus strand (C>T on the coding strand, the complement: TTN is on the minus strand). VCF-style: chr2-178706549-G-A. GRCh37 (hg19) VCF-style: chr2-179571276-G-A.
Other names: c.28374C>T, p.Asn9458= (NM_001256850.1); c.25593C>T, p.Asn8531= (NM_133378.4); c.13282+31533C>T (NM_003319.4); c.13858+31533C>T (NM_133437.4); c.13657+31533C>T (NM_133432.3).
Identifiers: ClinVar variation 466986 (VCV000466986.45), dbSNP rs377442695, ClinGen allele CA1999408.
Genomic context (GRCh38, chr2:178,706,549, plus strand): 5'-CTCTTGTTTCTTCCTTTCATCCACCTGTAAGTTAACATTACTTTCAATTTCACCATGTTC[G>A]TTAAATGCCACGCATCGGTATAACCCAGAATCAGTTTTTGTGGTGTCCCTAATCTCCAGT-3'
Protein context (NP_001254479.2, residues 9765-9785): DSGLYRCVAF[Asn9775=]EHGEIESNVN

ClinVar aggregate classification (germline): Benign/Likely benign. Review status: criteria provided, multiple submitters, no conflicts (2 of 4 stars). 12 submissions from 9 submitters: Benign (6); Likely benign (6). Last evaluated 2026-01-19.

Conditions:
Early-onset myopathy with fatal cardiomyopathy (CMYO5). Also called: Salih Myopathy; CONGENITAL MYOPATHY 5 WITH CARDIOMYOPATHY. Identifiers: Orphanet 289377, MedGen C2673677, MONDO:0012714, OMIM 611705. Disease mechanism: loss of function.
Dilated cardiomyopathy 1G (CMD1G). Identifiers: Orphanet 154, MedGen C1858763, MONDO:0011400, OMIM 604145.
Autosomal recessive limb-girdle muscular dystrophy type 2J (LGMDR10). Also called: Limb-girdle muscular dystrophy, type 2J; MUSCULAR DYSTROPHY, LIMB-GIRDLE, AUTOSOMAL RECESSIVE 10. Identifiers: Orphanet 140922, MedGen C1837342, MONDO:0012127, OMIM 608807.
Myopathy, myofibrillar, 9, with early respiratory failure (MFM9). Also called: Hereditary myopathy with early respiratory failure; MYOPATHY, PROXIMAL, WITH EARLY RESPIRATORY MUSCLE INVOLVEMENT; Myopathy, distal, with early respiratory failure, autosomal dominant; EDSTROM MYOPATHY. Identifiers: Orphanet 178464, Orphanet 34521, MedGen C1863599, MONDO:0011362, OMIM 603689.
TTN-related disorder. Also called: TTN-related disorders; TTN-related condition; TTN-related disease.
Tibial muscular dystrophy (TMD). Also called: UDD MYOPATHY; Tibial muscular dystrophy, tardive; Udd Distal Myopathy – Tibial Muscular Dystrophy. Identifiers: Orphanet 609, MedGen C1838244, MONDO:0010870, OMIM 600334.
Hypertrophic cardiomyopathy 9. Also called: Familial hypertrophic cardiomyopathy 9. Identifiers: MedGen C1861065, MONDO:0013412, OMIM 613765.

Allele frequency attached by ClinVar (database versions not stated): ESP Exome Variant Server 0.00008; gnomAD 0.00009 and 0.00011; gnomAD exomes 0.00009 and 0.00016; TOPMed 0.00009; ExAC 0.00021; 1000 Genomes Project 30x 0.00031; 1000 Genomes Project 0.00040.
gnomAD v4.1: 155 of 1,613,726 alleles (0.0096%); highest among the groups gnomAD compares: East Asian, 0.067%; no homozygotes.

Submissions (12):

Labcorp Genetics (formerly Invitae), Labcorp
Classification: Benign for Dilated cardiomyopathy 1G; Autosomal recessive limb-girdle muscular dystrophy type 2J. Last evaluated: 2026-01-19. Review status: criteria provided, single submitter. Criteria: Invitae Variant Classification Sherloc (09022015). Collection method: clinical testing. Allele origin: germline.

Molecular Diagnostic Laboratory for Inherited Cardiovascular Disease, Montreal Heart Institute
Classification: Benign. Last evaluated: 2025-04-09. Review status: criteria provided, single submitter. Criteria: ACMG Guidelines, 2015. Collection method: clinical testing. Allele origin: germline. Affected: no.

PreventionGenetics, part of Exact Sciences
Classification: Likely benign for TTN-related condition. Last evaluated: 2025-03-26. Review status: criteria provided, single submitter. Criteria: ACMG Guidelines, 2015. Collection method: clinical testing. Allele origin: germline.
Comment: This variant is classified as likely benign based on ACMG/AMP sequence variant interpretation guidelines (Richards et al. 2015 PMID: 25741868, with internal and published modifications).

Blueprint Genetics
Classification: Likely benign. Last evaluated: 2024-04-30. Review status: criteria provided, single submitter. Criteria: ACMG Guidelines, 2015. Collection method: clinical testing. Allele origin: germline.

Women's Health and Genetics/Laboratory Corporation of America, LabCorp
Classification: Likely benign. Last evaluated: 2023-10-23. Review status: criteria provided, single submitter. Criteria: LabCorp Variant Classification Summary - May 2015. Collection method: clinical testing. Allele origin: germline.

CeGaT Center for Human Genetics Tuebingen
Classification: Likely benign. Last evaluated: 2023-09-01. Review status: criteria provided, single submitter. Criteria: CeGaT Center For Human Genetics Tuebingen Variant Classification Criteria Version 2. Collection method: clinical testing. Allele origin: germline. Affected: yes. Observed: 1 variant allele.
Comment: TTN: BP4, BP7

Genome-Nilou Lab
Classification: Benign for Autosomal recessive limb-girdle muscular dystrophy type 2J. Last evaluated: 2021-09-10. Review status: criteria provided, single submitter. Criteria: ACMG Guidelines, 2015. Collection method: clinical testing. Allele origin: germline. Affected: no.

Genome-Nilou Lab
Classification: Benign for Myopathy, myofibrillar, 9, with early respiratory failure. Last evaluated: 2021-09-10. Review status: criteria provided, single submitter. Criteria: ACMG Guidelines, 2015. Collection method: clinical testing. Allele origin: germline. Affected: no.

Genome-Nilou Lab
Classification: Benign for Early-onset myopathy with fatal cardiomyopathy. Last evaluated: 2021-09-10. Review status: criteria provided, single submitter. Criteria: ACMG Guidelines, 2015. Collection method: clinical testing. Allele origin: germline. Affected: no.

Genome-Nilou Lab
Classification: Benign for Tibial muscular dystrophy. Last evaluated: 2021-09-10. Review status: criteria provided, single submitter. Criteria: ACMG Guidelines, 2015. Collection method: clinical testing. Allele origin: germline. Affected: no.

Fulgent Genetics
Classification: Likely benign for Tibial muscular dystrophy; Myopathy, myofibrillar, 9, with early respiratory failure; Dilated cardiomyopathy 1G; Autosomal recessive limb-girdle muscular dystrophy type 2J; Early-onset myopathy with fatal cardiomyopathy; Hypertrophic cardiomyopathy 9. Last evaluated: 2021-08-23. Review status: criteria provided, single submitter. Criteria: ACMG Guidelines, 2015. Collection method: clinical testing. Allele origin: unknown.

GeneDx
Classification: Likely benign. Last evaluated: 2020-06-08. Review status: criteria provided, single submitter. Criteria: GeneDx Variant Classification Process June 2021. Collection method: clinical testing. Allele origin: germline. Affected: yes.